The following is an entry in ClinVar:

NM_000179.3(MSH6):c.2647A>C (p.Lys883Gln)

Gene: MSH6 (mutS homolog 6; plus strand). Cytogenetic location: 2p16.3.
Variant type: single nucleotide variant.
Coding change: c.2647A>C on transcript NM_000179.3 (MANE Select); coding-DNA position 2647, A replaced by C.
Protein change: p.Lys883Gln; replaces lysine 883 with glutamine.
Molecular consequence: missense variant.
Genome position (GRCh38, 1-based): chr2:47,800,630, A>C. VCF-style: chr2-47800630-A-C. GRCh37 (hg19) VCF-style: chr2-48027769-A-C.
Other names: c.2257A>C, p.Lys753Gln (NM_001281492.2); c.1741A>C, p.Lys581Gln (NM_001281493.2, NM_001281494.2, NM_001406811.1 and 6 more transcripts); c.2743A>C, p.Lys915Gln (NM_001406795.1, NM_001406802.1); c.2647A>C, p.Lys883Gln (NM_001406796.1, NM_001406798.1, NM_001406800.1 and 2 more transcripts); c.2350A>C, p.Lys784Gln (NM_001406797.1, NM_001406801.1, NM_001406805.1 and 10 more transcripts); c.2122A>C, p.Lys708Gln (NM_001406799.1, NM_001406806.1, NM_001406807.1); c.2569A>C, p.Lys857Gln (NM_001406804.1); c.2653A>C, p.Lys885Gln (NM_001406813.1); and 1 more; short protein forms K784Q, K827Q, K857Q, K885Q, K581Q, K915Q, K708Q, K753Q.
Identifiers: ClinVar variation 1794259 (VCV001794259.2), dbSNP rs1669491751, ClinGen allele CA346755143.
Genomic context (GRCh38, chr2:47,800,630, plus strand): 5'-GAAGGATTCAAAGTAATGTGTAAAATTATAGGGATCATGGAAGAAGTTGCTGATGGTTTT[A>C]AGTCTAAAATCCTTAAGCAGGTCATCTCTCTGCAGACAAAAAATCCTGAAGGTCGTTTTC-3'
Protein context (NP_000170.1, residues 873-893): GIMEEVADGF[Lys883Gln]SKILKQVISL

ClinVar aggregate classification (germline): Uncertain significance (1 of 4 stars; one submission).

Conditions:
Hereditary cancer-predisposing syndrome. Also called: Tumor predisposition; Hereditary Cancer Syndrome; Neoplastic Syndromes, Hereditary; Hereditary neoplastic syndrome. Identifiers: Orphanet 140162, MedGen C0027672, MeSH D009386, MONDO:0015356.

Submission:

Ambry Genetics
Classification: Uncertain significance for Hereditary cancer-predisposing syndrome. Last evaluated: 2022-09-03. Review status: criteria provided, single submitter. Criteria: Ambry Variant Classification Scheme 2023. Collection method: clinical testing. Allele origin: germline.
Comment: The p.K883Q variant (also known as c.2647A>C), located in coding exon 4 of the MSH6 gene, results from an A to C substitution at nucleotide position 2647. The lysine at codon 883 is replaced by glutamine, an amino acid with similar properties. This amino acid position is conserved. In addition, this alteration is predicted to be tolerated by in silico analysis. Since supporting evidence is limited at this time, the clinical significance of this alteration remains unclear.